The following is an entry in ClinVar:

ClinVar aggregate classification (germline): Conflicting classifications of pathogenicity. Review status: criteria provided, conflicting classifications (1 of 4 stars). 6 submissions from 6 submitters: Pathogenic (1); Likely pathogenic (4); Uncertain significance (1). Last evaluated 2025-11-18.

Conditions:
Retinitis pigmentosa (RP). Identifiers: Orphanet 791, MedGen C0035334, MeSH D012174, MONDO:0019200, OMIM 268000. Inheritance: Autosomal dominant, autosomal recessive and X linked inheritance.
ABCA4-related disorder. Also called: ABCA4-related disorders; ABCA4-related condition. Identifiers: MedGen CN239167.
Severe early-childhood-onset retinal dystrophy (STGD1). Also called: Stargardt macular dystrophy; Juvenile onset macular degeneration; Stargardt disease 1; STGD; MACULAR DYSTROPHY WITH FLECKS, TYPE 1. Identifiers: Orphanet 364055, Orphanet 827, MedGen C1855465, MeSH D000080362, MONDO:0009549, OMIM 248200.
Retinitis pigmentosa 19 (RP19). Also called: ABCA4-Related Retinitis Pigmentosa. Identifiers: Orphanet 791, MedGen C1866422, MONDO:0011137, OMIM 601718.
Age related macular degeneration 2. Also called: MACULAR DEGENERATION, SENILE; MACULOPATHY, AGE-RELATED, 2; MACULOPATHY, AGE-RELATED. Identifiers: MedGen C3495438, MONDO:0007932, OMIM 153800.
Cone-rod dystrophy 3 (CORD3). Identifiers: Orphanet 1872, MedGen C1858806, MONDO:0011395, OMIM 604116.

Allele frequency attached by ClinVar (database versions not stated): gnomAD exomes 0.00001; ExAC 0.00002.
gnomAD v4.1: 18 of 1,614,176 alleles (0.0011%); highest among the groups gnomAD compares: Middle Eastern, 0.016%; no homozygotes.

Submissions (6):

Women's Health and Genetics/Laboratory Corporation of America, LabCorp
Classification: Likely pathogenic for Retinitis pigmentosa. Last evaluated: 2025-11-18. Review status: criteria provided, single submitter. Criteria: LabCorp Variant Classification Summary - May 2015. Collection method: clinical testing. Allele origin: germline.
Comment: Variant summary: ABCA4 c.3004C>T (p.Arg1002Trp) results in a non-conservative amino acid change in the encoded protein sequence. Algorithms developed to predict the effect of missense changes on protein structure and function all suggest that this variant is likely to be disruptive. The variant allele was found at a frequency of 1.2e-05 in 251492 control chromosomes. c.3004C>T has been observed in multiple compound heterozygous individuals affected with Stargardt disease 1 (Downes_2012, Sung_2020, Chen_2021, Cornelis_2022, Del Pozo-Valero_2022, Lin_2024, Matczyska_2024, Mizobuchi_2024, internal data). These data indicate that the variant is likely to be associated with disease. To our knowledge, no experimental evidence demonstrating an impact on protein function has been reported. The following publications have been ascertained in the context of this evaluation (PMID: 33608557, 35120629, 37331482, 35119454, 23143460, 31964843, 38219857, 38927562, 38499139, 33261146). ClinVar contains an entry for this variant (Variation ID: 1075396). Based on the evidence outlined above, the variant was classified as likely pathogenic.

GeneDx
Classification: Uncertain significance. Last evaluated: 2025-06-12. Review status: criteria provided, single submitter. Criteria: GeneDx Variant Classification Process June 2021. Collection method: clinical testing. Allele origin: germline. Affected: yes.
Comment: Identified in patients with autosomal recessive inherited retinal disease in the published literature; however segregation and additional clinical information were not reported (PMID: 33261146, 35119454); In silico analysis supports that this missense variant has a deleterious effect on protein structure/function; This variant is associated with the following publications: (PMID: 34426522, 23143460, 33261146, 35119454, 31964843, 33608557, 35120629)

3billion
Classification: Likely pathogenic for Severe early-childhood-onset retinal dystrophy. Last evaluated: 2025-04-11. Review status: criteria provided, single submitter. Criteria: ACMG Guidelines, 2015. Collection method: clinical testing. Allele origin: germline. Affected: yes.

Labcorp Genetics (formerly Invitae), Labcorp
Classification: Pathogenic. Last evaluated: 2024-10-16. Review status: criteria provided, single submitter. Criteria: Invitae Variant Classification Sherloc (09022015). Collection method: clinical testing. Allele origin: germline.
Comment: This sequence change replaces arginine, which is basic and polar, with tryptophan, which is neutral and slightly polar, at codon 1002 of the ABCA4 protein (p.Arg1002Trp). This variant is present in population databases (rs757678409, gnomAD 0.006%). This missense change has been observed in individual(s) with autosomal recessive Stargardt disease (PMID: 23143460; internal data). In at least one individual the data is consistent with being in trans (on the opposite chromosome) from a pathogenic variant. ClinVar contains an entry for this variant (Variation ID: 1075396). Invitae Evidence Modeling of protein sequence and biophysical properties (such as structural, functional, and spatial information, amino acid conservation, physicochemical variation, residue mobility, and thermodynamic stability) indicates that this missense variant is expected to disrupt ABCA4 protein function with a positive predictive value of 95%. For these reasons, this variant has been classified as Pathogenic.

Blueprint Genetics
Classification: Likely pathogenic for ABCA4-related disorders. Last evaluated: 2022-02-01. Review status: criteria provided, single submitter. Criteria: ACMG Guidelines, 2015. Collection method: clinical testing. Allele origin: germline. Affected: yes. Observed: 1 variant allele.

Juno Genomics, Hangzhou Juno Genomics, Inc
Classification: Likely pathogenic for Age related macular degeneration 2; Cone-rod dystrophy 3; Severe early-childhood-onset retinal dystrophy; Retinitis pigmentosa 19. Review status: criteria provided, single submitter. Criteria: ACMG Guidelines, 2015. Collection method: clinical testing. Allele origin: germline.
Comment: Absent from controls (or at extremely low frequency if recessive) in Genome Aggregation Database.;Multiple lines of computational evidence support a deleterious effect on the gene or gene product.;For recessive disorders, detected in trans with a pathogenic variant.

Literature cited by the submitters: PubMed 31964843 (cited by Women's Health and Genetics/Laboratory Corporation of America, LabCorp); PubMed 35119454 (cited by Women's Health and Genetics/Laboratory Corporation of America, LabCorp); PubMed 33261146 (cited by Women's Health and Genetics/Laboratory Corporation of America, LabCorp); PubMed 37331482 (cited by Women's Health and Genetics/Laboratory Corporation of America, LabCorp); PubMed 35120629 (cited by Women's Health and Genetics/Laboratory Corporation of America, LabCorp); PubMed 33608557 (cited by Women's Health and Genetics/Laboratory Corporation of America, LabCorp); PubMed 38219857 (cited by Women's Health and Genetics/Laboratory Corporation of America, LabCorp); PubMed 23143460 (cited by 3 submitters); PubMed 38499139 (cited by Women's Health and Genetics/Laboratory Corporation of America, LabCorp); PubMed 38927562 (cited by Women's Health and Genetics/Laboratory Corporation of America, LabCorp).

NM_000350.3(ABCA4):c.3004C>T (p.Arg1002Trp)

Gene: ABCA4 (ATP binding cassette subfamily A member 4; minus strand). Cytogenetic location: 1p22.1.
Variant type: single nucleotide variant.
Coding change: c.3004C>T on transcript NM_000350.3 (MANE Select); coding-DNA position 3004, C replaced by T.
Protein change: p.Arg1002Trp; replaces arginine 1002 with tryptophan.
Molecular consequence: missense variant.
Genome position (GRCh38, 1-based): chr1:94,044,659, G>A on the plus strand (C>T on the coding strand, the complement: ABCA4 is on the minus strand). VCF-style: chr1-94044659-G-A. GRCh37 (hg19) VCF-style: chr1-94510215-G-A.
Other names: c.2782C>T, p.Arg928Trp (NM_001425324.1); c.3004C>T (NM_000350.2); short protein forms R1002W, R928W.
Identifiers: ClinVar variation 1075396 (VCV001075396.15), dbSNP rs757678409, ClinGen allele CA958080.